The following is an entry in ClinVar:

NM_000551.4(VHL):c.283C>T (p.Pro95Ser)

Gene: VHL (von Hippel-Lindau tumor suppressor; plus strand). Cytogenetic location: 3p25.3.
Variant type: single nucleotide variant.
Coding change: c.283C>T on transcript NM_000551.4 (MANE Select); coding-DNA position 283, C replaced by T.
Protein change: p.Pro95Ser; replaces proline 95 with serine.
Molecular consequence: missense variant.
Genome position (GRCh38, 1-based): chr3:10,142,130, C>T. VCF-style: chr3-10142130-C-T. GRCh37 (hg19) VCF-style: chr3-10183814-C-T.
Other names: c.283C>T, p.Pro95Ser (NM_001354723.2, NM_198156.3); short protein forms P95S.
Identifiers: ClinVar variation 661136 (VCV000661136.5), dbSNP rs1376530057, ClinGen allele CA351750807.
Genomic context (GRCh38, chr3:10,142,130, plus strand): 5'-ATCTTCTGCAATCGCAGTCCGCGCGTCGTGCTGCCCGTATGGCTCAACTTCGACGGCGAG[C>T]CGCAGCCCTACCCAACGCTGCCGCCTGGCACGGGCCGCCGCATCCACAGCTACCGAGGTA-3'
Protein context (NP_000542.1, residues 85-105): LPVWLNFDGE[Pro95Ser]QPYPTLPPGT

ClinVar aggregate classification (germline): Conflicting classifications of pathogenicity. Review status: criteria provided, conflicting classifications (1 of 4 stars). 2 submissions from 2 submitters: Uncertain significance (1); Likely benign (1). Last evaluated 2026-08-04.

Conditions:
Chuvash polycythemia. Also called: POLYCYTHEMIA, VHL-DEPENDENT. Identifiers: Orphanet 238557, MedGen C1837915, MONDO:0009892, OMIM 263400.
Von Hippel-Lindau syndrome (VHLS). Also called: von Hippel–Lindau syndrome; VHL syndrome; Von Hippel-Lindau. Identifiers: Orphanet 892, MedGen C0019562, MONDO:0008667, OMIM 193300. Disease mechanism: loss of function.
Hereditary cancer-predisposing syndrome. Also called: Neoplastic Syndromes, Hereditary; Hereditary Cancer Syndrome; Hereditary neoplastic syndrome; Tumor predisposition. Identifiers: Orphanet 140162, MedGen C0027672, MeSH D009386, MONDO:0015356.

Submissions (2):

Ambry Genetics
Classification: Likely benign for Hereditary cancer-predisposing syndrome. Last evaluated: 2026-08-04. Review status: criteria provided, single submitter. Criteria: Ambry Variant Classification Scheme 2023. Collection method: clinical testing. Allele origin: germline.

Labcorp Genetics (formerly Invitae), Labcorp
Classification: Uncertain significance for Von Hippel-Lindau syndrome; Chuvash polycythemia. Last evaluated: 2021-10-16. Review status: criteria provided, single submitter. Criteria: Invitae Variant Classification Sherloc (09022015). Collection method: clinical testing. Allele origin: germline.
Comment: This sequence change replaces proline with serine at codon 95 of the VHL protein (p.Pro95Ser). The proline residue is highly conserved and there is a moderate physicochemical difference between proline and serine. This variant is not present in population databases (ExAC no frequency). This variant has not been reported in the literature in individuals affected with VHL-related conditions. Algorithms developed to predict the effect of missense changes on protein structure and function are either unavailable or do not agree on the potential impact of this missense change (SIFT: "Deleterious"; PolyPhen-2: "Benign"; Align-GVGD: "Class C65"). In summary, the available evidence is currently insufficient to determine the role of this variant in disease. Therefore, it has been classified as a Variant of Uncertain Significance.

Literature cited by the submitters: PubMed 38969834 (cited by Ambry Genetics).